The following is an entry in ClinVar:

ClinVar aggregate classification (germline): Uncertain significance (1 of 4 stars; one submission).

Submission:

Women's Health and Genetics/Laboratory Corporation of America, LabCorp
Classification: Uncertain significance. Last evaluated: 2025-12-01. Review status: criteria provided, single submitter. Criteria: LabCorp Variant Classification Summary - May 2015. Collection method: clinical testing. Allele origin: germline.
Comment: Variant summary: PLOD1 c.86T>C (p.Leu29Ser) results in a non-conservative amino acid change in the encoded protein sequence. Algorithms developed to predict the effect of missense changes on protein structure and function are either unavailable or do not agree on the potential impact of this missense change. The variant allele was found at a frequency of 4e-06 in 251486 control chromosomes. The available data on variant occurrences in the general population are insufficient to allow any conclusion about variant significance. To our knowledge, no occurrence of c.86T>C in individuals affected with PLOD1-related conditions and no experimental evidence demonstrating its impact on protein function have been reported. No submitters have cited clinical-significance assessments for this variant to ClinVar. Based on the evidence outlined above, the variant was classified as uncertain significance.

NM_000302.4(PLOD1):c.86T>C (p.Leu29Ser)

Gene: PLOD1 (procollagen-lysine,2-oxoglutarate 5-dioxygenase 1; plus strand). Cytogenetic location: 1p36.22.
Variant type: single nucleotide variant.
Coding change: c.86T>C on transcript NM_000302.4 (MANE Select); coding-DNA position 86, T replaced by C.
Protein change: p.Leu29Ser; replaces leucine 29 with serine.
Molecular consequence: missense variant.
Genome position (GRCh38, 1-based): chr1:11,947,985, T>C. VCF-style: chr1-11947985-T-C. GRCh37 (hg19) VCF-style: chr1-12008042-T-C.
Other names: c.227T>C, p.Leu76Ser (NM_001316320.2); short protein forms L29S, L76S.
Identifiers: ClinVar variation 4688673 (VCV004688673.1).